The following is an entry in ClinVar:

ClinVar aggregate classification (germline): Uncertain significance. Review status: criteria provided, multiple submitters, no conflicts (2 of 4 stars). 2 submissions from 2 submitters: Uncertain significance (2). Last evaluated 2025-11-05.

Conditions:
Progressive myoclonic epilepsy type 8. Identifiers: Orphanet 424027, MedGen C5190825, MONDO:0014545, OMIM 616230.

Allele frequency attached by ClinVar (database versions not stated): TOPMed below 0.00001; gnomAD 0.00001; gnomAD exomes 0.00001; ExAC 0.00002.
gnomAD v4.1: 14 of 1,584,218 alleles (0.00088%); highest among the groups gnomAD compares: African/African-American, 0.0027%; no homozygotes.

Submissions (2):

Ambry Genetics
Classification: Uncertain significance. Last evaluated: 2025-11-05. Review status: criteria provided, single submitter. Criteria: Ambry Variant Classification Scheme 2023. Collection method: clinical testing. Allele origin: germline.

Labcorp Genetics (formerly Invitae), Labcorp
Classification: Uncertain significance for Progressive myoclonic epilepsy type 8. Last evaluated: 2019-09-20. Review status: criteria provided, single submitter. Criteria: Invitae Variant Classification Sherloc (09022015). Collection method: clinical testing. Allele origin: germline.
Comment: Algorithms developed to predict the effect of missense changes on protein structure and function are either unavailable or do not agree on the potential impact of this missense change (SIFT: "Tolerated"; PolyPhen-2: "Probably Damaging"; Align-GVGD: "Class C0"). This variant has not been reported in the literature in individuals with CERS1-related conditions. This variant is present in population databases (rs759055660, ExAC 0.05%). This sequence change replaces proline with leucine at codon 260 of the CERS1 protein (p.Pro260Leu). The proline residue is highly conserved and there is a moderate physicochemical difference between proline and leucine. In summary, the available evidence is currently insufficient to determine the role of this variant in disease. Therefore, it has been classified as a Variant of Uncertain Significance.

NM_021267.5(CERS1):c.779C>T (p.Pro260Leu)

Genes: GDF1 (growth differentiation factor 1; minus strand), CERS1 (ceramide synthase 1; minus strand). Cytogenetic location: 19p13.11.
Variant type: single nucleotide variant.
Coding change: c.779C>T on transcript NM_021267.5 (MANE Select); coding-DNA position 779, C replaced by T.
Protein change: p.Pro260Leu; replaces proline 260 with leucine.
Molecular consequence: missense variant. On other transcripts: 5 prime UTR variant (1), intron variant (1).
Genome position (GRCh38, 1-based): chr19:18,879,362, G>A on the plus strand (C>T on the coding strand, the complement: CERS1 is on the minus strand). VCF-style: chr19-18879362-G-A. GRCh37 (hg19) VCF-style: chr19-18990171-G-A.
Other names: c.485C>T, p.Pro162Leu (NM_001290265.2, NM_001387442.1, NM_001387443.1 and 2 more transcripts); c.779C>T, p.Pro260Leu (NM_001387439.1, NM_001387440.1, NM_198207.3); c.734C>T, p.Pro245Leu (NM_001387441.1); c.-544C>T (NM_001492.6); c.-313+4725C>T (NM_001387438.1); c.779C>T (NM_021267.3); short protein forms P260L, P162L, P245L.
Identifiers: ClinVar variation 943251 (VCV000943251.10), dbSNP rs759055660, ClinGen allele CA9318152.